The following is an entry in ClinVar:

ClinVar aggregate classification (germline): Uncertain significance (1 of 4 stars; one submission).

Submission:

GeneDx
Classification: Uncertain significance. Last evaluated: 2025-11-18. Review status: criteria provided, single submitter. Criteria: GeneDx Variant Classification Process June 2021. Collection method: clinical testing. Allele origin: germline. Affected: yes.
Comment: Not observed at significant frequency in large population cohorts (gnomAD); In silico analysis supports that this missense variant has a deleterious effect on protein structure/function; Has not been previously published as pathogenic or benign to our knowledge

NM_001134673.4(NFIA):c.1006C>G (p.Pro336Ala)

Gene: NFIA (nuclear factor I A; plus strand). Cytogenetic location: 1p31.3.
Variant type: single nucleotide variant.
Coding change: c.1006C>G on transcript NM_001134673.4 (MANE Select); coding-DNA position 1006, C replaced by G.
Protein change: p.Pro336Ala; replaces proline 336 with alanine.
Molecular consequence: missense variant.
Genome position (GRCh38, 1-based): chr1:61,383,296, C>G. VCF-style: chr1-61383296-C-G. GRCh37 (hg19) VCF-style: chr1-61848968-C-G.
Other names: c.982C>G, p.Pro328Ala (NM_001145511.2); c.1141C>G, p.Pro381Ala (NM_001145512.2); c.1006C>G, p.Pro336Ala (NM_005595.5); short protein forms P328A, P336A, P381A.
Identifiers: ClinVar variation 3372448 (VCV003372448.2).
Genomic context (GRCh38, chr1:61,383,296, plus strand): 5'-GGAATGCCATCTCCAACCACACTGAAGAAGTCGGAGAAGTCTGGTTTCAGCAGCCCCTCC[C>G]CTTCACAGACCTCCTCCCTGGGAACGGCGTTCACACAGCATCACCGACCTGTCATTACAG-3'
Protein context (NP_001128145.1, residues 326-346): SEKSGFSSPS[Pro336Ala]SQTSSLGTAF